The following is an entry in ClinVar:

ClinVar aggregate classification (germline): Uncertain significance (1 of 4 stars; one submission).

Conditions:
Cardiovascular phenotype. Identifiers: MedGen CN230736.

Allele frequency attached by ClinVar (database versions not stated): gnomAD exomes below 0.00001; ExAC 0.00001.
gnomAD v4.1: 3 of 1,613,826 alleles (0.00019%); highest among the groups gnomAD compares: Non-Finnish European, 0.00025%; no homozygotes.

Submission:

Ambry Genetics
Classification: Uncertain significance for Cardiovascular phenotype. Last evaluated: 2022-09-08. Review status: criteria provided, single submitter. Criteria: Ambry Variant Classification Scheme 2023. Collection method: clinical testing. Allele origin: germline.
Comment: The p.I4050V variant (also known as c.12148A>G), located in coding exon 20 of the ALMS1 gene, results from an A to G substitution at nucleotide position 12148. The isoleucine at codon 4050 is replaced by valine, an amino acid with highly similar properties. This amino acid position is highly conserved in available vertebrate species. In addition, the in silico prediction for this alteration is inconclusive. Since supporting evidence is limited at this time, the clinical significance of this alteration remains unclear.

NM_001378454.1(ALMS1):c.12145A>G (p.Ile4049Val)

Genes: ALMS1 (ALMS1 centrosome and basal body associated protein; plus strand), LOC126806252 (BRD4-independent group 4 enhancer GRCh37_chr2:73828496-73829695; plus strand). Cytogenetic location: 2p13.1.
Variant type: single nucleotide variant.
Coding change: c.12145A>G on transcript NM_001378454.1 (MANE Select); coding-DNA position 12145, A replaced by G.
Protein change: p.Ile4049Val; replaces isoleucine 4049 with valine.
Molecular consequence: missense variant.
Genome position (GRCh38, 1-based): chr2:73,602,215, A>G. VCF-style: chr2-73602215-A-G. GRCh37 (hg19) VCF-style: chr2-73829342-A-G.
Other names: c.12148A>G, p.Ile4050Val (NM_015120.4); short protein forms I4049V, I4050V.
Identifiers: ClinVar variation 1751079 (VCV001751079.2), dbSNP rs762025419, ClinGen allele CA1715465.